The following is an entry in ClinVar:

ClinVar aggregate classification (germline): Uncertain significance. Review status: criteria provided, multiple submitters, no conflicts (2 of 4 stars). 4 submissions from 3 submitters: Uncertain significance (4). Last evaluated 2023-02-08.

Conditions:
Inborn genetic diseases. Identifiers: MedGen C0950123, MeSH D030342.
Seckel syndrome 1 (SCKL1). Also called: MICROCEPHALIC PRIMORDIAL DWARFISM I. Identifiers: Orphanet 808, MedGen C4551474, MONDO:0008869, OMIM 210600.
Familial cutaneous telangiectasia and oropharyngeal predisposition cancer syndrome. Identifiers: Orphanet 313846, MedGen C3281203, MONDO:0013806, OMIM 614564.

Allele frequency attached by ClinVar (database versions not stated): gnomAD exomes below 0.00001 and 0.00001.

Submissions (4):

Genome-Nilou Lab
Classification: Uncertain significance for Seckel syndrome 1. Last evaluated: 2023-02-08. Review status: criteria provided, single submitter. Criteria: ACMG Guidelines, 2015. Collection method: clinical testing. Allele origin: germline.

Genome-Nilou Lab
Classification: Uncertain significance for Familial cutaneous telangiectasia and oropharyngeal predisposition cancer syndrome. Last evaluated: 2023-02-08. Review status: criteria provided, single submitter. Criteria: ACMG Guidelines, 2015. Collection method: clinical testing. Allele origin: germline.

Ambry Genetics
Classification: Uncertain significance for Inborn genetic diseases. Last evaluated: 2022-05-04. Review status: criteria provided, single submitter. Criteria: Ambry Variant Classification Scheme 2023. Collection method: clinical testing. Allele origin: germline.
Comment: The p.M11V variant (also known as c.31A>G), located in coding exon 1 of the ATR gene, results from an A to G substitution at nucleotide position 31. The methionine at codon 11 is replaced by valine, an amino acid with highly similar properties. This amino acid position is conserved. In addition, this alteration is predicted to be tolerated by in silico analysis. Since supporting evidence is limited at this time, the clinical significance of this alteration remains unclear.

Labcorp Genetics (formerly Invitae), Labcorp
Classification: Uncertain significance. Last evaluated: 2021-10-07. Review status: criteria provided, single submitter. Criteria: Invitae Variant Classification Sherloc (09022015). Collection method: clinical testing. Allele origin: germline.
Comment: In summary, the available evidence is currently insufficient to determine the role of this variant in disease. Therefore, it has been classified as a Variant of Uncertain Significance. Algorithms developed to predict the effect of missense changes on protein structure and function (SIFT, PolyPhen-2, Align-GVGD) all suggest that this variant is likely to be tolerated. This variant has not been reported in the literature in individuals affected with ATR-related conditions. This variant is not present in population databases (ExAC no frequency). This sequence change replaces methionine with valine at codon 11 of the ATR protein (p.Met11Val). The methionine residue is moderately conserved and there is a small physicochemical difference between methionine and valine.

NM_001184.4(ATR):c.31A>G (p.Met11Val)

Genes: ATR (ATR checkpoint kinase; minus strand), LOC129937703 (ATAC-STARR-seq lymphoblastoid active region 20643; plus strand). Cytogenetic location: 3q23.
Variant type: single nucleotide variant.
Coding change: c.31A>G on transcript NM_001184.4 (MANE Select); coding-DNA position 31, A replaced by G.
Protein change: p.Met11Val; replaces methionine 11 with valine.
Molecular consequence: missense variant.
Genome position (GRCh38, 1-based): chr3:142,578,674, T>C on the plus strand (A>G on the coding strand, the complement: ATR is on the minus strand). VCF-style: chr3-142578674-T-C. GRCh37 (hg19) VCF-style: chr3-142297516-T-C.
Other names: c.31A>G, p.Met11Val (NM_001354579.2); short protein forms M11V.
Identifiers: ClinVar variation 1506924 (VCV001506924.6), dbSNP rs1166368568, ClinGen allele CA354795782.